The following is an entry in ClinVar:

NM_003601.4(SMARCA5):c.1301_1306del (p.Ile434_Leu435del)

Gene: SMARCA5 (SNF2 related chromatin remodeling ATPase 5; plus strand). Cytogenetic location: 4q31.21.
Variant type: Deletion.
Coding change: c.1301_1306del on transcript NM_003601.4 (MANE Select); coding-DNA positions 1301 to 1306, 6 bases deleted (TACTCA; older notation c.1301_1306delTACTCA).
Protein change: p.Ile434_Leu435del.
Molecular consequence: inframe deletion.
Genome position (GRCh38, 1-based): chr4:143,536,484-143,536,489, TACTCA deleted; deleting any 6 consecutive bases within chr4:143,536,483-143,536,489 gives the same sequence; the c. name uses the placement nearest the transcript's 3' end. VCF-style (leftmost placement, unchanged base first): chr4-143536482-TATACTC-T. GRCh37 (hg19) VCF-style: chr4-144457635-TATACTC-T.
Other names: c.1301_1306del (NM_003601.3).
Identifiers: ClinVar variation 1804056 (VCV001804056.3), dbSNP rs2531497410, ClinGen allele CA658789161.

ClinVar aggregate classification (germline): Pathogenic. Review status: criteria provided, multiple submitters, no conflicts (2 of 4 stars). 3 submissions from 3 submitters: Pathogenic (2). 1 of the submissions does not count toward it. Last evaluated 2023-04-12.

Conditions:
LI-HAKONARSON SYNDROME (LHS). Identifiers: MedGen CN382637, OMIM 621786.
Pubertal developmental failure in females. Identifiers: MedGen C4024649, HP:0008647.
Failure to thrive. Also called: Pediatric failure to thrive. Identifiers: MedGen C2315100, HP:0001508.
Microcephaly. Also called: Microcephaly (disease). Identifiers: MedGen C4551563, MONDO:0001149, HP:0000252.
Short stature. Identifiers: MedGen C0349588, HP:0004322.

Submissions (3):

GeneDx
Classification: Pathogenic. Last evaluated: 2023-04-12. Review status: criteria provided, single submitter. Criteria: GeneDx Variant Classification Process June 2021. Collection method: clinical testing. Allele origin: germline. Affected: yes.
Comment: Not observed at significant frequency in large population cohorts (gnomAD); In-frame deletion of 2 amino acids in a non-repeat region; In silico analysis supports that this variant does not alter protein structure/function; This variant is associated with the following publications: (PMID: 31785789, 33980485)

Institute of Human Genetics Munich, TUM University Hospital
Classification: Pathogenic for Microcephaly; Pubertal developmental failure in females; Short stature; Failure to thrive. Last evaluated: 2022-01-28. Review status: criteria provided, single submitter. Criteria: Classification criteria August 2017. Collection method: clinical testing. Allele origin: de novo. Inheritance: Autosomal dominant inheritance. Affected: yes. Observed: 1 variant allele.

OMIM
Classification: Pathogenic for LI-HAKONARSON SYNDROME. Last evaluated: 2026-11-11. Review status: no assertion criteria provided. Collection method: literature only. Allele origin: germline. Not counted in ClinVar's aggregate classification.

Literature cited by the submitters: PubMed 33980485 (cited by OMIM).